The following is an entry in ClinVar:

ClinVar aggregate classification (germline): Benign/Likely benign. Review status: criteria provided, multiple submitters, no conflicts (2 of 4 stars). 9 submissions from 9 submitters: Benign (2); Likely benign (4). 3 of the submissions do not count toward it. Last evaluated 2026-02-03.

Conditions:
Primary dilated cardiomyopathy (DCM). Also called: Dilated Cardiomyopathy. Identifiers: Orphanet 217604, MedGen C0007193, MeSH D002311, MONDO:0005021, HP:0001644. Inheritance: Various modes of inheritance.
Cardiovascular phenotype. Identifiers: MedGen CN230736.
Glucocorticoid deficiency 5. Identifiers: MedGen C4540522, MONDO:0040502, OMIM 617825.
TXNRD2-related disorder. Also called: TXNRD2-related condition.

Allele frequency attached by ClinVar (database versions not stated): 1000 Genomes Project 0.00060; 1000 Genomes Project 30x 0.00062; TOPMed 0.00206; ExAC 0.00207; gnomAD exomes 0.00218 and 0.00284; ESP Exome Variant Server 0.00222; gnomAD 0.00254 and 0.00266.
gnomAD v4.1: 4,448 of 1,613,244 alleles (0.28%); highest among the groups gnomAD compares: Non-Finnish European, 0.34%; 9 homozygotes.

Submissions (9):

Labcorp Genetics (formerly Invitae), Labcorp
Classification: Benign for Primary dilated cardiomyopathy. Last evaluated: 2026-02-03. Review status: criteria provided, single submitter. Criteria: Invitae Variant Classification Sherloc (09022015). Collection method: clinical testing. Allele origin: germline.

CeGaT Center for Human Genetics Tuebingen
Classification: Likely benign. Last evaluated: 2026-01-01. Review status: criteria provided, single submitter. Criteria: CeGaT Center For Human Genetics Tuebingen Variant Classification Criteria Version 2. Collection method: clinical testing. Allele origin: germline. Affected: yes. Observed: 1 variant allele.
Comment: TXNRD2: BP4, BP7

Blueprint Genetics
Classification: Likely benign. Last evaluated: 2024-11-27. Review status: criteria provided, single submitter. Criteria: ACMG Guidelines, 2015. Collection method: clinical testing. Allele origin: germline.

Fulgent Genetics
Classification: Benign for Glucocorticoid deficiency 5. Last evaluated: 2021-10-01. Review status: criteria provided, single submitter. Criteria: ACMG Guidelines, 2015. Collection method: clinical testing. Allele origin: unknown.

GeneDx
Classification: Likely benign. Last evaluated: 2018-03-14. Review status: criteria provided, single submitter. Criteria: GeneDx Variant Classification (06012015). Collection method: clinical testing. Allele origin: germline. Affected: yes.
Comment: This variant is considered likely benign or benign based on one or more of the following criteria: it is a conservative change, it occurs at a poorly conserved position in the protein, it is predicted to be benign by multiple in silico algorithms, and/or has population frequency not consistent with disease.

Ambry Genetics
Classification: Likely benign for Cardiovascular phenotype. Last evaluated: 2016-11-03. Review status: criteria provided, single submitter. Criteria: Ambry Variant Classification Scheme 2023. Collection method: clinical testing. Allele origin: germline.

PreventionGenetics, part of Exact Sciences
Classification: Likely benign for TXNRD2-related condition. Last evaluated: 2020-10-15. Review status: no assertion criteria provided. Collection method: clinical testing. Allele origin: germline. Not counted in ClinVar's aggregate classification.
Comment: This variant is classified as likely benign based on ACMG/AMP sequence variant interpretation guidelines (Richards et al. 2015 PMID: 25741868, with internal and published modifications).

Clinical Genetics DNA and cytogenetics Diagnostics Lab, Erasmus MC, Erasmus Medical Center
Classification: Likely benign. Review status: no assertion criteria provided. Collection method: clinical testing. Allele origin: germline. Affected: yes. Study: VKGL Data-share Consensus. Not counted in ClinVar's aggregate classification.

Diagnostic Laboratory, Department of Genetics, University Medical Center Groningen
Classification: Likely benign. Review status: no assertion criteria provided. Collection method: clinical testing. Allele origin: germline. Affected: yes. Study: VKGL Data-share Consensus. Not counted in ClinVar's aggregate classification.

NM_006440.5(TXNRD2):c.816C>T (p.Gly272=)

Gene: TXNRD2 (thioredoxin reductase 2; minus strand). Cytogenetic location: 22q11.21.
Variant type: single nucleotide variant.
Coding change: c.816C>T on transcript NM_006440.5 (MANE Select); coding-DNA position 816, C replaced by T.
Protein change: p.Gly272=; no amino-acid change (glycine 272 retained).
Molecular consequence: synonymous variant. On other transcripts: non-coding transcript variant (1).
Genome position (GRCh38, 1-based): chr22:19,895,540, G>A on the plus strand (C>T on the coding strand, the complement: TXNRD2 is on the minus strand). VCF-style: chr22-19895540-G-A. GRCh37 (hg19) VCF-style: chr22-19883063-G-A.
Other names: c.816C>T, p.Gly272= (NM_001282512.3); c.813C>T, p.Gly271= (NM_001352300.2); c.726C>T, p.Gly242= (NM_001352301.2); c.528C>T, p.Gly176= (NM_001352302.2); c.720C>T, p.Gly240= (NM_001352303.2).
Identifiers: ClinVar variation 392163 (VCV000392163.28), dbSNP rs144584524, ClinGen allele CA10103972.
Genomic context (GRCh38, chr22:19,895,540, plus strand): 5'-CAGCTGGCCATCAGGGAGCCTCCTGACCCGCGAGGGGGCACAGCCCCTCAGGAACCGGGT[G>A]CCATGAGATGCCATGTGCTCTATGACCATGGAGGACATTTGCTGCAAAGCACAAGAAGAC-3'
Protein context (NP_006431.2, residues 262-282): SMVIEHMASH[Gly272=]TRFLRGCAPS